The following is an entry in ClinVar:

ClinVar aggregate classification (germline): Uncertain significance (1 of 4 stars; one submission).

gnomAD v4.1: 4 of 1,542,302 alleles (0.00026%); highest among the groups gnomAD compares: Non-Finnish European, 0.00026%; no homozygotes.

Submission:

GeneDx
Classification: Uncertain significance. Last evaluated: 2024-10-02. Review status: criteria provided, single submitter. Criteria: GeneDx Variant Classification Process June 2021. Collection method: clinical testing. Allele origin: germline. Affected: yes.
Comment: Not observed at significant frequency in large population cohorts (gnomAD); In silico analysis indicates that this missense variant does not alter protein structure/function; Has not been previously published as pathogenic or benign to our knowledge

NM_004733.4(SLC33A1):c.35G>A (p.Arg12Gln)

Gene: SLC33A1 (solute carrier family 33 member 1; minus strand). Cytogenetic location: 3q25.31.
Variant type: single nucleotide variant.
Coding change: c.35G>A on transcript NM_004733.4 (MANE Select); coding-DNA position 35, G replaced by A.
Protein change: p.Arg12Gln; replaces arginine 12 with glutamine.
Molecular consequence: missense variant.
Genome position (GRCh38, 1-based): chr3:155,853,963, C>T on the plus strand (G>A on the coding strand, the complement: SLC33A1 is on the minus strand). VCF-style: chr3-155853963-C-T. GRCh37 (hg19) VCF-style: chr3-155571752-C-T.
Other names: c.35G>A, p.Arg12Gln (NM_001190992.2, NM_001363883.1); short protein forms R12Q.
Identifiers: ClinVar variation 3776456 (VCV003776456.1).